The following is an entry in ClinVar:

NM_006297.3(XRCC1):c.910A>G (p.Thr304Ala)

Gene: XRCC1 (X-ray repair cross complementing 1; minus strand). Cytogenetic location: 19q13.31.
Variant type: single nucleotide variant.
Coding change: c.910A>G on transcript NM_006297.3 (MANE Select); coding-DNA position 910, A replaced by G.
Protein change: p.Thr304Ala; replaces threonine 304 with alanine.
Molecular consequence: missense variant.
Genome position (GRCh38, 1-based): chr19:43,552,189, T>C on the plus strand (A>G on the coding strand, the complement: XRCC1 is on the minus strand). VCF-style: chr19-43552189-T-C. GRCh37 (hg19) VCF-style: chr19-44056341-T-C.
Other names: short protein forms T304A.
Identifiers: ClinVar variation 777495 (VCV000777495.7), dbSNP rs25490, ClinGen allele CA9488623.

ClinVar aggregate classification (germline): Benign. Review status: criteria provided, multiple submitters, no conflicts (2 of 4 stars). 3 submissions from 3 submitters: Benign (2). 1 of the submissions does not count toward it. Last evaluated 2019-12-31.

Conditions:
XRCC1-related disorder. Also called: XRCC1-related condition.

Allele frequency attached by ClinVar (database versions not stated): gnomAD exomes 0.00724; ExAC 0.00842; gnomAD 0.02484 and 0.02658; 1000 Genomes Project 30x 0.02842; TOPMed 0.02844; 1000 Genomes Project 0.02935; ESP Exome Variant Server 0.03175.
gnomAD v4.1: 8,169 of 1,613,950 alleles (0.51%); highest among the groups gnomAD compares: African/African-American, 8.6%; 308 homozygotes.

Submissions (3):

Labcorp Genetics (formerly Invitae), Labcorp
Classification: Benign. Last evaluated: 2019-12-31. Review status: criteria provided, single submitter. Criteria: Invitae Variant Classification Sherloc (09022015). Collection method: clinical testing. Allele origin: germline.

Breakthrough Genomics
Classification: Benign. Review status: criteria provided, single submitter. Criteria: ACMG Guidelines, 2015. Collection method: not provided. Allele origin: germline. Inheritance: Autosomal recessive inheritance. Affected: yes.

PreventionGenetics, part of Exact Sciences
Classification: Benign for XRCC1-related condition. Last evaluated: 2019-08-27. Review status: no assertion criteria provided. Collection method: clinical testing. Allele origin: germline. Not counted in ClinVar's aggregate classification.
Comment: This variant is classified as benign based on ACMG/AMP sequence variant interpretation guidelines (Richards et al. 2015 PMID: 25741868, with internal and published modifications).